The following is an entry in ClinVar:

NM_001267550.2(TTN):c.88509C>T (p.Ala29503=)

Genes: TTN-AS1 (TTN antisense RNA 1; plus strand), TTN (titin; minus strand). Cytogenetic location: 2q31.2.
Variant type: single nucleotide variant.
Coding change: c.88509C>T on transcript NM_001267550.2 (MANE Select); coding-DNA position 88509, C replaced by T.
Protein change: p.Ala29503=; no amino-acid change (alanine 29503 retained).
Molecular consequence: synonymous variant.
Genome position (GRCh38, 1-based): chr2:178,554,950, G>A on the plus strand (C>T on the coding strand, the complement: TTN is on the minus strand). VCF-style: chr2-178554950-G-A. GRCh37 (hg19) VCF-style: chr2-179419677-G-A.
Other names: c.83586C>T, p.Ala27862= (NM_001256850.1); c.61314C>T, p.Ala20438= (NM_003319.4); c.80805C>T, p.Ala26935= (NM_133378.4); c.61689C>T, p.Ala20563= (NM_133432.3); c.61890C>T, p.Ala20630= (NM_133437.4).
Identifiers: ClinVar variation 467602 (VCV000467602.14), dbSNP rs776811363, ClinGen allele CA1988140.

ClinVar aggregate classification (germline): Likely benign. Review status: criteria provided, multiple submitters, no conflicts (2 of 4 stars). 4 submissions from 4 submitters: Likely benign (4). Last evaluated 2026-08-25.

Conditions:
Autosomal recessive limb-girdle muscular dystrophy type 2J (LGMDR10). Also called: Limb-girdle muscular dystrophy, type 2J; MUSCULAR DYSTROPHY, LIMB-GIRDLE, AUTOSOMAL RECESSIVE 10. Identifiers: Orphanet 140922, MedGen C1837342, MONDO:0012127, OMIM 608807.
Dilated cardiomyopathy 1G (CMD1G). Identifiers: Orphanet 154, MedGen C1858763, MONDO:0011400, OMIM 604145.
TTN-related disorder. Also called: TTN-related condition; TTN-related disease; TTN-related disorders.
Cardiovascular phenotype. Identifiers: MedGen CN230736.

Allele frequency attached by ClinVar (database versions not stated): gnomAD 0.00004; gnomAD exomes 0.00005 and 0.00008; TOPMed 0.00006; ExAC 0.00010.
gnomAD v4.1: 81 of 1,613,542 alleles (0.005%); highest among the groups gnomAD compares: East Asian, 0.17%; 1 homozygote.

Submissions (4):

PreventionGenetics, part of Exact Sciences
Classification: Likely benign for TTN-related condition. Last evaluated: 2026-08-25. Review status: criteria provided, single submitter. Criteria: ACMG Guidelines, 2015. Collection method: clinical testing. Allele origin: germline.
Comment: This variant is classified as likely benign based on ACMG/AMP sequence variant interpretation guidelines (Richards et al. 2015 PMID: 25741868, with internal and published modifications).

Labcorp Genetics (formerly Invitae), Labcorp
Classification: Likely benign for Dilated cardiomyopathy 1G; Autosomal recessive limb-girdle muscular dystrophy type 2J. Last evaluated: 2026-01-10. Review status: criteria provided, single submitter. Criteria: Invitae Variant Classification Sherloc (09022015). Collection method: clinical testing. Allele origin: germline.

Ambry Genetics
Classification: Likely benign for Cardiovascular phenotype. Last evaluated: 2022-04-23. Review status: criteria provided, single submitter. Criteria: Ambry Variant Classification Scheme 2023. Collection method: clinical testing. Allele origin: germline.

GeneDx
Classification: Likely benign. Last evaluated: 2020-01-14. Review status: criteria provided, single submitter. Criteria: GeneDx Variant Classification Process June 2021. Collection method: clinical testing. Allele origin: germline. Affected: yes.